The following is an entry in ClinVar:

ClinVar aggregate classification (germline): Pathogenic (1 of 4 stars; one submission).

Conditions:
Catecholaminergic polymorphic ventricular tachycardia 1. Also called: VENTRICULAR TACHYCARDIA, CATECHOLAMINERGIC POLYMORPHIC, 1, WITH OR WITHOUT ATRIAL DYSFUNCTION AND/OR DILATED CARDIOMYOPATHY; VENTRICULAR TACHYCARDIA, STRESS-INDUCED POLYMORPHIC 1; RYR2-Related Catecholaminergic Polymorphic Ventricular Tachycardia. Identifiers: Orphanet 3286, MedGen C1631597, MONDO:0011484, OMIM 604772.

Submission:

Labcorp Genetics (formerly Invitae), Labcorp
Classification: Pathogenic for Catecholaminergic polymorphic ventricular tachycardia 1. Last evaluated: 2024-01-03. Review status: criteria provided, single submitter. Criteria: Invitae Variant Classification Sherloc (09022015). Collection method: clinical testing. Allele origin: germline.
Comment: This sequence change replaces glutamic acid, which is acidic and polar, with aspartic acid, which is acidic and polar, at codon 189 of the RYR2 protein (p.Glu189Asp). This variant is not present in population databases (gnomAD no frequency). This missense change has been observed in individual(s) with autosomal dominant catecholaminergic polymorphic ventricular tachycardia (PMID: 20676041; Invitae). It has also been observed to segregate with disease in related individuals. Advanced modeling of protein sequence and biophysical properties (such as structural, functional, and spatial information, amino acid conservation, physicochemical variation, residue mobility, and thermodynamic stability) performed at Invitae indicates that this missense variant is expected to disrupt RYR2 protein function with a positive predictive value of 95%. Experimental studies have shown that this missense change affects RYR2 function (PMID: 20676041, 22374134). For these reasons, this variant has been classified as Pathogenic.

Literature cited by the submitters: PubMed 20676041; PubMed 22374134.

NM_001035.3(RYR2):c.567A>C (p.Glu189Asp)

Gene: RYR2 (ryanodine receptor 2; plus strand). Cytogenetic location: 1q43.
Variant type: single nucleotide variant.
Coding change: c.567A>C on transcript NM_001035.3 (MANE Select); coding-DNA position 567, A replaced by C.
Protein change: p.Glu189Asp; replaces glutamic acid 189 with aspartic acid.
Molecular consequence: missense variant.
Genome position (GRCh38, 1-based): chr1:237,377,426, A>C. VCF-style: chr1-237377426-A-C. GRCh37 (hg19) VCF-style: chr1-237540726-A-C.
Other names: short protein forms E189D.
Identifiers: ClinVar variation 2707246 (VCV002707246.3), dbSNP rs1415931588, ClinGen allele CA345375724.